The following is an entry in ClinVar:

NM_004064.5(CDKN1B):c.71C>A (p.Pro24His)

Gene: CDKN1B (cyclin dependent kinase inhibitor 1B; plus strand). Cytogenetic location: 12p13.1.
Variant type: single nucleotide variant.
Coding change: c.71C>A on transcript NM_004064.5 (MANE Select); coding-DNA position 71, C replaced by A.
Protein change: p.Pro24His; replaces proline 24 with histidine.
Molecular consequence: missense variant.
Genome position (GRCh38, 1-based): chr12:12,717,910, C>A. VCF-style: chr12-12717910-C-A. GRCh37 (hg19) VCF-style: chr12-12870844-C-A.
Other names: short protein forms P24H.
Identifiers: ClinVar variation 3489628 (VCV003489628.1).

ClinVar aggregate classification (germline): Uncertain significance (1 of 4 stars; one submission).

Conditions:
Hereditary cancer-predisposing syndrome. Also called: Tumor predisposition; Neoplastic Syndromes, Hereditary; Hereditary Cancer Syndrome; Hereditary neoplastic syndrome. Identifiers: Orphanet 140162, MedGen C0027672, MeSH D009386, MONDO:0015356.

Submission:

Ambry Genetics
Classification: Uncertain significance for Hereditary cancer-predisposing syndrome. Last evaluated: 2024-09-11. Review status: criteria provided, single submitter. Criteria: Ambry Variant Classification Scheme 2023. Collection method: clinical testing. Allele origin: germline.
Comment: The p.P24H variant (also known as c.71C>A), located in coding exon 1 of the CDKN1B gene, results from a C to A substitution at nucleotide position 71. The proline at codon 24 is replaced by histidine, an amino acid with similar properties. This amino acid position is highly conserved in available vertebrate species. In addition, the in silico prediction for this alteration is inconclusive. Based on the available evidence, the clinical significance of this variant remains unclear.